The following is an entry in ClinVar:

ClinVar aggregate classification (germline): Uncertain significance. Review status: criteria provided, multiple submitters, no conflicts (2 of 4 stars). 2 submissions from 2 submitters: Uncertain significance (2). Last evaluated 2024-03-27.

Conditions:
Cardiovascular phenotype. Identifiers: MedGen CN230736.
Walker-Warburg congenital muscular dystrophy. Also called: Muscular dystrophy-dystroglycanopathy, type A; Walker-Warburg syndrome. Identifiers: Orphanet 899, MedGen C0265221, MONDO:0000171.

Allele frequency attached by ClinVar (database versions not stated): gnomAD exomes below 0.00001.

Submissions (2):

Ambry Genetics
Classification: Uncertain significance for Cardiovascular phenotype. Last evaluated: 2024-03-27. Review status: criteria provided, single submitter. Criteria: Ambry Variant Classification Scheme 2023. Collection method: clinical testing. Allele origin: germline.
Comment: The p.P440L variant (also known as c.1319C>T), located in coding exon 9 of the FKTN gene, results from a C to T substitution at nucleotide position 1319. The proline at codon 440 is replaced by leucine, an amino acid with similar properties. This amino acid position is conserved. In addition, the in silico prediction for this alteration is inconclusive. Based on the available evidence, the clinical significance of this alteration remains unclear.

Labcorp Genetics (formerly Invitae), Labcorp
Classification: Uncertain significance for Walker-Warburg congenital muscular dystrophy. Last evaluated: 2018-11-07. Review status: criteria provided, single submitter. Criteria: Invitae Variant Classification Sherloc (09022015). Collection method: clinical testing. Allele origin: germline.
Comment: This variant is not present in population databases (ExAC no frequency). This sequence change replaces proline with leucine at codon 440 of the FKTN protein (p.Pro440Leu). The proline residue is highly conserved and there is a moderate physicochemical difference between proline and leucine. This variant has not been reported in the literature in individuals with FKTN-related disease. In summary, the available evidence is currently insufficient to determine the role of this variant in disease. Therefore, it has been classified as a Variant of Uncertain Significance. Algorithms developed to predict the effect of missense changes on protein structure and function are either unavailable or do not agree on the potential impact of this missense change (SIFT: "Deleterious"; PolyPhen-2: "Probably Damaging"; Align-GVGD: "Class C0").

NM_001079802.2(FKTN):c.1319C>T (p.Pro440Leu)

Gene: FKTN (fukutin; plus strand). Cytogenetic location: 9q31.2.
Variant type: single nucleotide variant.
Coding change: c.1319C>T on transcript NM_001079802.2 (MANE Select); coding-DNA position 1319, C replaced by T.
Protein change: p.Pro440Leu; replaces proline 440 with leucine.
Molecular consequence: missense variant. On other transcripts: 3 prime UTR variant (1), non-coding transcript variant (2), intron variant (1).
Genome position (GRCh38, 1-based): chr9:105,635,197, C>T. VCF-style: chr9-105635197-C-T. GRCh37 (hg19) VCF-style: chr9-108397478-C-T.
Other names: c.1319C>T, p.Pro440Leu (NM_001351496.2, NM_006731.2); c.1250C>T, p.Pro417Leu (NM_001351497.2); c.*111C>T (NM_001351498.2); c.923C>T, p.Pro308Leu (NM_001351499.2, NM_001351500.2, NM_001351501.2 and 1 more transcripts); c.1270+49C>T (NM_001198963.2); short protein forms P440L, P308L, P417L.
Identifiers: ClinVar variation 571830 (VCV000571830.10), dbSNP rs1564357396, ClinGen allele CA374378331.